The following is an entry in ClinVar:

ClinVar aggregate classification (germline): Pathogenic (1 of 4 stars; one submission).

Submission:

Labcorp Genetics (formerly Invitae), Labcorp
Classification: Pathogenic. Last evaluated: 2024-09-30. Review status: criteria provided, single submitter. Criteria: Invitae Variant Classification Sherloc (09022015). Collection method: clinical testing. Allele origin: germline.
Comment: This sequence change creates a premature translational stop signal (p.Gln419Alafs*112) in the CARMIL2 gene. It is expected to result in an absent or disrupted protein product. Loss-of-function variants in CARMIL2 are known to be pathogenic (PMID: 27647349, 28112205). This variant is present in population databases (rs764374356, gnomAD 0.001%). This variant has not been reported in the literature in individuals affected with CARMIL2-related conditions. For these reasons, this variant has been classified as Pathogenic.

Literature cited by the submitters: PubMed 27647349; PubMed 28112205.

NM_001013838.3(CARMIL2):c.1253dup (p.Gln419fs)

Gene: CARMIL2 (capping protein regulator and myosin 1 linker 2; plus strand). Cytogenetic location: 16q22.1.
Variant type: Duplication.
Coding change: c.1253dup on transcript NM_001013838.3 (MANE Select); coding-DNA position 1253, one base duplicated (C; older notation c.1253dupC).
Protein change: p.Gln419fs; shifts the reading frame from glutamine 419.
Molecular consequence: frameshift variant. On other transcripts: intron variant (1).
Genome position (GRCh38, 1-based): chr16:67,648,233, C duplicated; the last of 6 consecutive C bases (chr16:67,648,228-67,648,233); duplicating any one gives the same sequence. VCF-style (leftmost placement, unchanged base first): chr16-67648227-T-TC. GRCh37 (hg19) VCF-style: chr16-67682130-T-TC.
Other names: c.1150-5dup (NM_001317026.3); short protein forms Q419fs.
Identifiers: ClinVar variation 2986361 (VCV002986361.3), dbSNP rs764374356, ClinGen allele CA8113377.
Genomic context (GRCh38, chr16:67,648,227, plus strand): 5'-GGGCGGACTGGAGGGCGGGACGGGGAGGGCTCGGTCCCCCCGCGGGTGTAGCCAACAGCC[T>TC]CCCCCCGCAGCTCTTCGCAGCGGTATCCCGAGGCTGCTGCACCAGCCTTACCCACCTCGA-3'